The following is an entry in ClinVar:

NM_021224.6(ZNF462):c.1643C>T (p.Pro548Leu)

Gene: ZNF462 (zinc finger protein 462; plus strand). Cytogenetic location: 9q31.2.
Variant type: single nucleotide variant.
Coding change: c.1643C>T on transcript NM_021224.6 (MANE Select); coding-DNA position 1643, C replaced by T.
Protein change: p.Pro548Leu; replaces proline 548 with leucine.
Molecular consequence: missense variant.
Genome position (GRCh38, 1-based): chr9:106,925,555, C>T. VCF-style: chr9-106925555-C-T. GRCh37 (hg19) VCF-style: chr9-109687836-C-T.
Other names: c.1643C>T, p.Pro548Leu (NM_001347997.2); c.1643C>T (NM_021224.5); short protein forms P548L.
Identifiers: ClinVar variation 2531601 (VCV002531601.25), dbSNP rs368056745, ClinGen allele CA5171367.

ClinVar aggregate classification (germline): Likely benign. Review status: criteria provided, multiple submitters, no conflicts (2 of 4 stars). 3 submissions from 3 submitters: Likely benign (3). Last evaluated 2026-07-08.

Conditions:
ZNF462-related disorder. Also called: ZNF462-related condition; ZNF462 related disease.
Inborn genetic diseases. Identifiers: MedGen C0950123, MeSH D030342.

Allele frequency attached by ClinVar (database versions not stated): ExAC 0.00008; ESP Exome Variant Server 0.00008; gnomAD 0.00009; TOPMed 0.00009; 1000 Genomes Project 0.00020; 1000 Genomes Project 30x 0.00031.
gnomAD v4.1: 137 of 1,612,186 alleles (0.0085%); highest among the groups gnomAD compares: East Asian, 0.016%; no homozygotes.

Submissions (3):

PreventionGenetics, part of Exact Sciences
Classification: Likely benign for ZNF462-related condition. Last evaluated: 2026-07-08. Review status: criteria provided, single submitter. Criteria: ACMG Guidelines, 2015. Collection method: clinical testing. Allele origin: germline.
Comment: This variant is classified as likely benign based on ACMG/AMP sequence variant interpretation guidelines (Richards et al. 2015 PMID: 25741868, with internal and published modifications).

CeGaT Center for Human Genetics Tuebingen
Classification: Likely benign. Last evaluated: 2026-06-01. Review status: criteria provided, single submitter. Criteria: CeGaT Center For Human Genetics Tuebingen Variant Classification Criteria Version 2. Collection method: clinical testing. Allele origin: germline. Affected: yes. Observed: 2 variant alleles.
Comment: ZNF462: BP4

Ambry Genetics
Classification: Likely benign for Inborn genetic diseases. Last evaluated: 2023-03-29. Review status: criteria provided, single submitter. Criteria: Ambry Variant Classification Scheme 2023. Collection method: clinical testing. Allele origin: germline.